The following is an entry in ClinVar:

NR_023343.3(RNU4ATAC):n.34A>G

Genes: CLASP1 (cytoplasmic linker associated protein 1; minus strand), CLASP1-AS1 (CLASP1 antisense RNA 1; plus strand), RNU4ATAC (RNA, U4atac small nuclear; plus strand). Cytogenetic location: 2q14.2.
Variant type: single nucleotide variant.
Molecular consequence: intron variant (on NM_001395891.1).
Genome position: GRCh38 VCF-style: chr2-121530913-A-G. GRCh37 (hg19) VCF-style: chr2-122288489-A-G.
Other names: c.196-588T>C (NM_001142274.2, NM_015282.3, NM_001378003.1 and 5 more transcripts).
Identifiers: ClinVar variation 1924725 (VCV001924725.3), dbSNP rs528106770, ClinGen allele CA54810816.

ClinVar aggregate classification (germline): Uncertain significance. Review status: criteria provided, single submitter (1 of 4 stars). 2 submissions from 2 submitters: Uncertain significance (1). 1 of the submissions does not count toward it. Last evaluated 2022-06-20.

Conditions:
RNU4ATAC-related disorder. Also called: RNU4ATAC-related condition.

Allele frequency attached by ClinVar (database versions not stated): 1000 Genomes Project 30x 0.00016.
gnomAD v4.1: 33 of 699,340 alleles (0.0047%); highest among the groups gnomAD compares: African/African-American, 0.017%; no homozygotes.

Submissions (2):

Labcorp Genetics (formerly Invitae), Labcorp
Classification: Uncertain significance. Last evaluated: 2022-06-20. Review status: criteria provided, single submitter. Criteria: Invitae Variant Classification Sherloc (09022015). Collection method: clinical testing. Allele origin: germline.
Comment: This variant occurs in the RNU4ATAC gene, which encodes an RNA molecule that does not result in a protein product. This variant is present in population databases (rs528106770, gnomAD 0.007%). This variant has not been reported in the literature in individuals affected with RNU4ATAC-related conditions. This variant is located within the 5' stem-loop region of the RNU4ATAC RNA, which includes the 15.5K binding site and is important for spliceosome assembly (PMID: 32628740). A significant number of disease-associated RNU4ATAC variants are found in this region (PMID: 32628740, 30368667). In summary, the available evidence is currently insufficient to determine the role of this variant in disease. Therefore, it has been classified as a Variant of Uncertain Significance.

PreventionGenetics, part of Exact Sciences
Classification: Uncertain significance for RNU4ATAC-related condition. Last evaluated: 2024-04-09. Review status: no assertion criteria provided. Collection method: clinical testing. Allele origin: germline. Not counted in ClinVar's aggregate classification.
Comment: The RNU4ATAC n.34A>G is a noncoding alteration. To our knowledge, this variant has not been reported in the literature. This variant is reported in 0.0077% of alleles in individuals of European (Non-Finnish) descent in gnomAD. At this time, the clinical significance of this variant is uncertain due to the absence of conclusive functional and genetic evidence.

Literature cited by the submitters: PubMed 32628740 (cited by Labcorp Genetics (formerly Invitae), Labcorp); PubMed 30368667 (cited by Labcorp Genetics (formerly Invitae), Labcorp).